The following is an entry in ClinVar:

ClinVar aggregate classification (germline): Uncertain significance (1 of 4 stars; one submission).

Conditions:
Hereditary cancer-predisposing syndrome. Also called: Neoplastic Syndromes, Hereditary; Tumor predisposition; Hereditary neoplastic syndrome; Hereditary Cancer Syndrome. Identifiers: Orphanet 140162, MedGen C0027672, MeSH D009386, MONDO:0015356.

Submission:

Ambry Genetics
Classification: Uncertain significance for Hereditary cancer-predisposing syndrome. Last evaluated: 2024-05-29. Review status: criteria provided, single submitter. Criteria: Ambry Variant Classification Scheme 2023. Collection method: clinical testing. Allele origin: germline.
Comment: The p.S1058F variant (also known as c.3173C>T), located in coding exon 22 of the SMARCA4 gene, results from a C to T substitution at nucleotide position 3173. The serine at codon 1058 is replaced by phenylalanine, an amino acid with highly dissimilar properties. This amino acid position is conserved. In addition, this alteration is predicted to be deleterious by in silico analysis. Based on the available evidence, the clinical significance of this variant remains unclear.

NM_003072.5(SMARCA4):c.3173C>T (p.Ser1058Phe)

Gene: SMARCA4 (SWI/SNF related BAF chromatin remodeling complex subunit ATPase 4; plus strand). Cytogenetic location: 19p13.2.
Variant type: single nucleotide variant.
Coding change: c.3173C>T on transcript NM_003072.5 (MANE Select); coding-DNA position 3173, C replaced by T.
Protein change: p.Ser1058Phe; replaces serine 1058 with phenylalanine.
Molecular consequence: missense variant. On other transcripts: non-coding transcript variant (1).
Genome position (GRCh38, 1-based): chr19:11,026,304, C>T. VCF-style: chr19-11026304-C-T. GRCh37 (hg19) VCF-style: chr19-11136980-C-T.
Other names: c.3173C>T, p.Ser1058Phe (NM_001128844.3, NM_001128845.2, NM_001128846.2 and 6 more transcripts); short protein forms S1058F.
Identifiers: ClinVar variation 3320757 (VCV003320757.1).